The following is an entry in ClinVar:

ClinVar aggregate classification (germline): Uncertain significance. Review status: criteria provided, multiple submitters, no conflicts (2 of 4 stars). 2 submissions from 2 submitters: Uncertain significance (2). Last evaluated 2022-09-27.

Conditions:
Duchenne muscular dystrophy (DMD). Also called: Duchenne Muscular Dystrophy (DMD); MUSCULAR DYSTROPHY, PSEUDOHYPERTROPHIC PROGRESSIVE, DUCHENNE TYPE. Identifiers: Orphanet 98896, MedGen C0013264, MONDO:0010679, OMIM 310200.

Allele frequency attached by ClinVar (database versions not stated): gnomAD exomes 0.00001; TOPMed 0.00001.

Submissions (2):

Labcorp Genetics (formerly Invitae), Labcorp
Classification: Uncertain significance for Duchenne muscular dystrophy. Last evaluated: 2022-09-27. Review status: criteria provided, single submitter. Criteria: Invitae Variant Classification Sherloc (09022015). Collection method: clinical testing. Allele origin: germline.
Comment: ClinVar contains an entry for this variant (Variation ID: 285220). Variants that disrupt the consensus splice site are a relatively common cause of aberrant splicing (PMID: 17576681, 9536098). Algorithms developed to predict the effect of sequence changes on RNA splicing suggest that this variant may disrupt the consensus splice site. In summary, the available evidence is currently insufficient to determine the role of this variant in disease. Therefore, it has been classified as a Variant of Uncertain Significance. This variant has not been reported in the literature in individuals affected with DMD-related conditions. This sequence change falls in intron 22 of the DMD gene. It does not directly change the encoded amino acid sequence of the DMD protein. It affects a nucleotide within the consensus splice site. This variant is present in population databases (no rsID available, gnomAD 0.008%).

Eurofins Ntd Llc (ga)
Classification: Uncertain significance. Last evaluated: 2016-01-12. Review status: criteria provided, single submitter. Criteria: EGL Classification Definitions. Collection method: clinical testing. Allele origin: germline. Observed: 1 variant allele.

Literature cited by the submitters: PubMed 17576681 (cited by Labcorp Genetics (formerly Invitae), Labcorp); PubMed 9536098 (cited by Labcorp Genetics (formerly Invitae), Labcorp).

NM_004006.3(DMD):c.2949+4dup

Gene: DMD (dystrophin; minus strand). Cytogenetic location: Xp21.1.
Variant type: Duplication.
Coding change: c.2949+4dup on transcript NM_004006.3 (MANE Select); 4 bases into the intron after coding-DNA position 2949, one base duplicated (T; older notation c.2949+4dupT).
Molecular consequence: intron variant.
Genome position (GRCh38, 1-based): chrX:32,472,160, A duplicated on the plus strand (T on the coding strand, the reverse complement: DMD is on the minus strand). VCF-style (leftmost placement, unchanged base first): chrX-32472159-C-CA. GRCh37 (hg19) VCF-style: chrX-32490276-C-CA.
Other names: c.2925+4dup (NM_000109.4); c.2937+4dup (NM_004009.3); c.2580+4dup (NM_004010.3).
Identifiers: ClinVar variation 285220 (VCV000285220.11), dbSNP rs886043048, ClinGen allele CA10605042.